The following is an entry in ClinVar:

ClinVar aggregate classification (germline): Uncertain significance (1 of 4 stars; one submission).

Conditions:
Oculofaciocardiodental syndrome (MCOPS2). Identifiers: Orphanet 2712, MedGen C1846265, MONDO:0010261, OMIM 300166.

Allele frequency attached by ClinVar (database versions not stated): gnomAD exomes 0.00002; TOPMed 0.00004; gnomAD 0.00006.
gnomAD v4.1: 25 of 1,211,098 alleles (0.0021%); highest among the groups gnomAD compares: Middle Eastern, 0.023%; no homozygotes.

Submission:

Labcorp Genetics (formerly Invitae), Labcorp
Classification: Uncertain significance for Oculofaciocardiodental syndrome. Last evaluated: 2024-12-17. Review status: criteria provided, single submitter. Criteria: Invitae Variant Classification Sherloc (09022015). Collection method: clinical testing. Allele origin: germline.
Comment: This sequence change replaces arginine, which is basic and polar, with histidine, which is basic and polar, at codon 1136 of the BCOR protein (p.Arg1136His). This variant is present in population databases (no rsID available, gnomAD 0.005%). This variant has not been reported in the literature in individuals affected with BCOR-related conditions. ClinVar contains an entry for this variant (Variation ID: 2067953). Invitae Evidence Modeling of protein sequence and biophysical properties (such as structural, functional, and spatial information, amino acid conservation, physicochemical variation, residue mobility, and thermodynamic stability) indicates that this missense variant is not expected to disrupt BCOR protein function with a negative predictive value of 80%. In summary, the available evidence is currently insufficient to determine the role of this variant in disease. Therefore, it has been classified as a Variant of Uncertain Significance.

NM_001123385.2(BCOR):c.3407G>A (p.Arg1136His)

Gene: BCOR (BCL6 corepressor; minus strand). Cytogenetic location: Xp11.4.
Variant type: single nucleotide variant.
Coding change: c.3407G>A on transcript NM_001123385.2 (MANE Select); coding-DNA position 3407, G replaced by A.
Protein change: p.Arg1136His; replaces arginine 1136 with histidine.
Molecular consequence: missense variant.
Genome position (GRCh38, 1-based): chrX:40,064,431, C>T on the plus strand (G>A on the coding strand, the complement: BCOR is on the minus strand). VCF-style: chrX-40064431-C-T. GRCh37 (hg19) VCF-style: chrX-39923684-C-T.
Other names: c.3407G>A, p.Arg1136His (NM_001123383.2, NM_017745.6); c.3353G>A, p.Arg1118His (NM_001123384.2); short protein forms R1136H, R1118H.
Identifiers: ClinVar variation 2067953 (VCV002067953.4), dbSNP rs1231642126, ClinGen allele CA412738939.